The following is an entry in ClinVar:

ClinVar aggregate classification (germline): Likely pathogenic. Review status: criteria provided, multiple submitters, no conflicts (2 of 4 stars). 2 submissions from 2 submitters: Likely pathogenic (2). Last evaluated 2024-03-11.

Conditions:
Familial juvenile hyperuricemic nephropathy type 1 (ADTKD1). Also called: UMOD-Associated Kidney Disease; Uromodulin-associated kidney disease; Autosomal Dominant Tubulointerstitial Kidney Disease – UMOD; Glomerulocystic kidney disease with hyperuricemia and isosthenuria; Medullary cystic kidney disease 2. Identifiers: Orphanet 209886, Orphanet 34149, Orphanet 88950, MedGen C4551496, MONDO:0008073, OMIM 162000.

Submissions (2):

Fulgent Genetics
Classification: Likely pathogenic for Familial juvenile hyperuricemic nephropathy type 1. Last evaluated: 2024-03-11. Review status: criteria provided, single submitter. Criteria: ACMG Guidelines, 2015. Collection method: clinical testing. Allele origin: germline.

Labcorp Genetics (formerly Invitae), Labcorp
Classification: Likely pathogenic. Last evaluated: 2022-10-14. Review status: criteria provided, single submitter. Criteria: Invitae Variant Classification Sherloc (09022015). Collection method: clinical testing. Allele origin: germline.
Comment: In summary, the currently available evidence indicates that the variant is pathogenic, but additional data are needed to prove that conclusively. Therefore, this variant has been classified as Likely Pathogenic. This variant disrupts the p.Cys120 amino acid residue in UMOD. Other variant(s) that disrupt this residue have been determined to be pathogenic (PMID: 27729211). This suggests that this residue is clinically significant, and that variants that disrupt this residue are likely to be disease-causing. Advanced modeling of protein sequence and biophysical properties (such as structural, functional, and spatial information, amino acid conservation, physicochemical variation, residue mobility, and thermodynamic stability) performed at Invitae indicates that this missense variant is expected to disrupt UMOD protein function. This missense change has been observed in individual(s) with tubulointerstitial kidney disease (PMID: 32450155). This variant is not present in population databases (gnomAD no frequency). This sequence change replaces cysteine, which is neutral and slightly polar, with arginine, which is basic and polar, at codon 120 of the UMOD protein (p.Cys120Arg).

Literature cited by the submitters: PubMed 27729211 (cited by Labcorp Genetics (formerly Invitae), Labcorp); PubMed 32450155 (cited by Labcorp Genetics (formerly Invitae), Labcorp).

NM_003361.4(UMOD):c.358T>C (p.Cys120Arg)

Gene: UMOD (uromodulin; minus strand). Cytogenetic location: 16p12.3.
Variant type: single nucleotide variant.
Coding change: c.358T>C on transcript NM_003361.4 (MANE Select); coding-DNA position 358, T replaced by C.
Protein change: p.Cys120Arg; replaces cysteine 120 with arginine.
Molecular consequence: missense variant. On other transcripts: non-coding transcript variant (1).
Genome position (GRCh38, 1-based): chr16:20,348,943, A>G on the plus strand (T>C on the coding strand, the complement: UMOD is on the minus strand). VCF-style: chr16-20348943-A-G. GRCh37 (hg19) VCF-style: chr16-20360265-A-G.
Other names: c.358T>C, p.Cys120Arg (NM_001008389.3, NM_001378232.1, NM_001378233.1 and 3 more transcripts); c.457T>C, p.Cys153Arg (NM_001278614.2); short protein forms C120R, C153R.
Identifiers: ClinVar variation 2098928 (VCV002098928.5), dbSNP rs1555487621, ClinGen allele CA394986280.